The following is an entry in ClinVar:

NM_001330311.2(DVL1):c.331G>A (p.Gly111Ser)

Gene: DVL1 (dishevelled segment polarity protein 1; minus strand). Cytogenetic location: 1p36.33.
Variant type: single nucleotide variant.
Coding change: c.331G>A on transcript NM_001330311.2 (MANE Select); coding-DNA position 331, G replaced by A.
Protein change: p.Gly111Ser; replaces glycine 111 with serine.
Molecular consequence: missense variant.
Genome position (GRCh38, 1-based): chr1:1,342,394, C>T on the plus strand (G>A on the coding strand, the complement: DVL1 is on the minus strand). VCF-style: chr1-1342394-C-T. GRCh37 (hg19) VCF-style: chr1-1277774-C-T.
Other names: c.331G>A, p.Gly111Ser (NM_004421.3); c.331G>A (NM_004421.2); short protein forms G111S.
Identifiers: ClinVar variation 3020053 (VCV003020053.5), dbSNP rs1021940894, ClinGen allele CA16760452.

ClinVar aggregate classification (germline): Uncertain significance. Review status: criteria provided, multiple submitters, no conflicts (2 of 4 stars). 3 submissions from 3 submitters: Uncertain significance (3). Last evaluated 2025-05-23.

Conditions:
Inborn genetic diseases. Identifiers: MedGen C0950123, MeSH D030342.

Allele frequency attached by ClinVar (database versions not stated): gnomAD 0.00001; gnomAD exomes 0.00001; TOPMed 0.00010.
gnomAD v4.1: 17 of 1,591,738 alleles (0.0011%); highest among the groups gnomAD compares: African/African-American, 0.0094%; no homozygotes.

Submissions (3):

Women's Health and Genetics/Laboratory Corporation of America, LabCorp
Classification: Uncertain significance. Last evaluated: 2025-05-23. Review status: criteria provided, single submitter. Criteria: LabCorp Variant Classification Summary - May 2015. Collection method: clinical testing. Allele origin: germline.
Comment: Variant summary: DVL1 c.331G>A (p.Gly111Ser) results in a non-conservative amino acid change in the encoded protein sequence. Algorithms developed to predict the effect of missense changes on protein structure and function are either unavailable or do not agree on the potential impact of this missense change. The variant allele was found at a frequency of 1.9e-05 in 206566 control chromosomes. The available data on variant occurrences in the general population are insufficient to allow any conclusion about variant significance. To our knowledge, no occurrence of c.331G>A in individuals affected with Autosomal Dominant Robinow Syndrome 2 and no experimental evidence demonstrating its impact on protein function have been reported. ClinVar contains an entry for this variant (Variation ID: 3020053). Based on the evidence outlined above, the variant was classified as uncertain significance.

Ambry Genetics
Classification: Uncertain significance for Inborn genetic diseases. Last evaluated: 2023-12-15. Review status: criteria provided, single submitter. Criteria: Ambry Variant Classification Scheme 2023. Collection method: clinical testing. Allele origin: germline.

Labcorp Genetics (formerly Invitae), Labcorp
Classification: Uncertain significance. Last evaluated: 2023-06-28. Review status: criteria provided, single submitter. Criteria: Invitae Variant Classification Sherloc (09022015). Collection method: clinical testing. Allele origin: germline.
Comment: This sequence change replaces glycine, which is neutral and non-polar, with serine, which is neutral and polar, at codon 111 of the DVL1 protein (p.Gly111Ser). The frequency data for this variant in the population databases is considered unreliable, as metrics indicate poor data quality at this position in the gnomAD database. This variant has not been reported in the literature in individuals affected with DVL1-related conditions. Advanced modeling of protein sequence and biophysical properties (such as structural, functional, and spatial information, amino acid conservation, physicochemical variation, residue mobility, and thermodynamic stability) has been performed at Invitae for this missense variant, however the output from this modeling did not meet the statistical confidence thresholds required to predict the impact of this variant on DVL1 protein function. In summary, the available evidence is currently insufficient to determine the role of this variant in disease. Therefore, it has been classified as a Variant of Uncertain Significance.